The following is an entry in ClinVar:

ClinVar aggregate classification (germline): Uncertain significance. Review status: criteria provided, multiple submitters, no conflicts (2 of 4 stars). 2 submissions from 2 submitters: Uncertain significance (2). Last evaluated 2025-02-08.

Conditions:
Intellectual disability, autosomal recessive 53 (NEDHSCA). Also called: GLYCOSYLPHOSPHATIDYLINOSITOL BIOSYNTHESIS DEFECT 13; Mental retardation, autosomal recessive 53; NEURODEVELOPMENTAL DISORDER WITH OR WITHOUT HYPOTONIA, SEIZURES, AND CEREBELLAR ATROPHY. Identifiers: Orphanet 488635, MedGen C4310794, MONDO:0014832, OMIM 616917.
Inborn genetic diseases. Identifiers: MedGen C0950123, MeSH D030342.

Allele frequency attached by ClinVar (database versions not stated): gnomAD exomes 0.00002; ExAC 0.00003; TOPMed 0.00005; gnomAD 0.00004.
gnomAD v4.1: 32 of 1,614,120 alleles (0.002%); highest among the groups gnomAD compares: Admixed American, 0.0067%; no homozygotes.

Submissions (2):

Ambry Genetics
Classification: Uncertain significance for Inborn genetic diseases. Last evaluated: 2025-02-08. Review status: criteria provided, single submitter. Criteria: Ambry Variant Classification Scheme 2023. Collection method: clinical testing. Allele origin: germline.

Labcorp Genetics (formerly Invitae), Labcorp
Classification: Uncertain significance for Intellectual disability, autosomal recessive 53. Last evaluated: 2022-10-13. Review status: criteria provided, single submitter. Criteria: Invitae Variant Classification Sherloc (09022015). Collection method: clinical testing. Allele origin: germline.
Comment: This sequence change replaces serine, which is neutral and polar, with proline, which is neutral and non-polar, at codon 484 of the PIGG protein (p.Ser484Pro). This variant is present in population databases (rs757726750, gnomAD 0.004%). This variant has not been reported in the literature in individuals affected with PIGG-related conditions. ClinVar contains an entry for this variant (Variation ID: 1345672). Advanced modeling of protein sequence and biophysical properties (such as structural, functional, and spatial information, amino acid conservation, physicochemical variation, residue mobility, and thermodynamic stability) performed at Invitae indicates that this missense variant is not expected to disrupt PIGG protein function. In summary, the available evidence is currently insufficient to determine the role of this variant in disease. Therefore, it has been classified as a Variant of Uncertain Significance.

NM_001127178.3(PIGG):c.1450T>C (p.Ser484Pro)

Gene: PIGG (phosphatidylinositol glycan anchor biosynthesis class G (EMM blood group); plus strand). Cytogenetic location: 4p16.3.
Variant type: single nucleotide variant.
Coding change: c.1450T>C on transcript NM_001127178.3 (MANE Select); coding-DNA position 1450, T replaced by C.
Protein change: p.Ser484Pro; replaces serine 484 with proline.
Molecular consequence: missense variant. On other transcripts: 3 prime UTR variant (2), 5 prime UTR variant (2), non-coding transcript variant (10).
Genome position (GRCh38, 1-based): chr4:521,777, T>C. VCF-style: chr4-521777-T-C. GRCh37 (hg19) VCF-style: chr4-515566-T-C.
Other names: c.1183T>C, p.Ser395Pro (NM_001289051.2, NM_001289053.2, NM_001345986.2); c.1051T>C, p.Ser351Pro (NM_001289052.2); c.*12T>C (NM_001289055.2); c.*65T>C (NM_001289057.2); c.1159T>C, p.Ser387Pro (NM_001345987.2); c.421T>C, p.Ser141Pro (NM_001345988.2); c.1450T>C, p.Ser484Pro (NM_001345989.2); c.-84T>C (NM_001345990.2, NM_001345991.2); and 3 more; short protein forms S118P, S351P, S387P, S395P, S484P, S141P, S476P.
Identifiers: ClinVar variation 1345672 (VCV001345672.4), dbSNP rs757726750, ClinGen allele CA2793315.